The following is an entry in ClinVar:

NM_004655.4(AXIN2):c.1562A>C (p.His521Pro)

Gene: AXIN2 (axin 2; minus strand). Cytogenetic location: 17q24.1.
Variant type: single nucleotide variant.
Coding change: c.1562A>C on transcript NM_004655.4 (MANE Select); coding-DNA position 1562, A replaced by C.
Protein change: p.His521Pro; replaces histidine 521 with proline.
Molecular consequence: missense variant.
Genome position (GRCh38, 1-based): chr17:65,537,474, T>G on the plus strand (A>C on the coding strand, the complement: AXIN2 is on the minus strand). VCF-style: chr17-65537474-T-G. GRCh37 (hg19) VCF-style: chr17-63533592-T-G.
Other names: c.1562A>C, p.His521Pro (NM_001363813.1); short protein forms H521P.
Identifiers: ClinVar variation 2835661 (VCV002835661.4), dbSNP rs2509413105, ClinGen allele CA400677258.
Genomic context (GRCh38, chr17:65,537,474, plus strand): 5'-CAGTGCACCCGCTGCGTGGCCTCCGCCTCGATCTCCTCCTTGGTCTTGGGGACGGCATGG[T>G]GGTGGATGTAGTGGTGGTGGACATGCTTCGTCGTCTGCTTGGTCACAAAGCCTTTGCCCC-3'
Protein context (NP_004646.3, residues 511-531): TKHVHHHYIH[His521Pro]HAVPKTKEEI

ClinVar aggregate classification (germline): Uncertain significance. Review status: criteria provided, multiple submitters, no conflicts (2 of 4 stars). 2 submissions from 2 submitters: Uncertain significance (2). Last evaluated 2026-02-13.

Conditions:
Hereditary cancer-predisposing syndrome. Also called: Tumor predisposition; Neoplastic Syndromes, Hereditary; Hereditary Cancer Syndrome; Hereditary neoplastic syndrome. Identifiers: Orphanet 140162, MedGen C0027672, MeSH D009386, MONDO:0015356.
Oligodontia-cancer predisposition syndrome. Also called: TOOTH AGENESIS-COLORECTAL CANCER SYNDROME. Identifiers: Orphanet 300576, MedGen C1837750, MONDO:0012075, OMIM 608615. Disease mechanism: loss of function.

Submissions (2):

Ambry Genetics
Classification: Uncertain significance for Hereditary cancer-predisposing syndrome. Last evaluated: 2026-02-13. Review status: criteria provided, single submitter. Criteria: Ambry Variant Classification Scheme 2023. Collection method: clinical testing. Allele origin: germline.
Comment: The p.H521P variant (also known as c.1562A>C), located in coding exon 5 of the AXIN2 gene, results from an A to C substitution at nucleotide position 1562. The histidine at codon 521 is replaced by proline, an amino acid with similar properties. This amino acid position is highly conserved in available vertebrate species. In addition, the in silico prediction for this alteration is inconclusive. Based on the available evidence, the clinical significance of this variant remains unclear.

Labcorp Genetics (formerly Invitae), Labcorp
Classification: Uncertain significance for Oligodontia-cancer predisposition syndrome. Last evaluated: 2023-02-09. Review status: criteria provided, single submitter. Criteria: Invitae Variant Classification Sherloc (09022015). Collection method: clinical testing. Allele origin: germline.
Comment: Advanced modeling of protein sequence and biophysical properties (such as structural, functional, and spatial information, amino acid conservation, physicochemical variation, residue mobility, and thermodynamic stability) has been performed at Invitae for this missense variant, however the output from this modeling did not meet the statistical confidence thresholds required to predict the impact of this variant on AXIN2 protein function. In summary, the available evidence is currently insufficient to determine the role of this variant in disease. Therefore, it has been classified as a Variant of Uncertain Significance. This variant has not been reported in the literature in individuals affected with AXIN2-related conditions. This variant is not present in population databases (gnomAD no frequency). This sequence change replaces histidine, which is basic and polar, with proline, which is neutral and non-polar, at codon 521 of the AXIN2 protein (p.His521Pro).